The following is an entry in ClinVar:

ClinVar aggregate classification (germline): Pathogenic. Review status: criteria provided, multiple submitters, no conflicts (2 of 4 stars). 9 submissions from 8 submitters: Pathogenic (7). 2 of the submissions do not count toward it. Last evaluated 2025-05-01.

Conditions:
CACNA1S-related disorder. Also called: CACNA1S-related condition.
Hypokalemic periodic paralysis, type 1. Also called: Hypokalemic Periodic Paralysis Type 1 (AD); HypoPP. Identifiers: Orphanet 681, MedGen C3714580, MONDO:0042979, OMIM 170400.
Malignant hyperthermia, susceptibility to, 5 (MHS5). Also called: CACNA1S-Related Malignant Hyperthermia Susceptibility. Identifiers: Orphanet 423, MedGen C1866077, MONDO:0011163, OMIM 601887.

Submissions (9):

Labcorp Genetics (formerly Invitae), Labcorp
Classification: Pathogenic for Hypokalemic periodic paralysis, type 1; Malignant hyperthermia, susceptibility to, 5. Last evaluated: 2025-05-01. Review status: criteria provided, single submitter. Criteria: Invitae Variant Classification Sherloc (09022015). Collection method: clinical testing. Allele origin: germline.
Comment: This sequence change replaces arginine, which is basic and polar, with glycine, which is neutral and non-polar, at codon 1239 of the CACNA1S protein (p.Arg1239Gly). This variant is not present in population databases (gnomAD no frequency). This missense change has been observed in individual(s) with hypokalemic periodic paralysis (PMID: 8004673, 15716625, 18162704, 18229654). It has also been observed to segregate with disease in related individuals. ClinVar contains an entry for this variant (Variation ID: 17624). Invitae Evidence Modeling of protein sequence and biophysical properties (such as structural, functional, and spatial information, amino acid conservation, physicochemical variation, residue mobility, and thermodynamic stability) has been performed for this missense variant. However, the output from this modeling did not meet the statistical confidence thresholds required to predict the impact of this variant on CACNA1S protein function. This variant disrupts the p.Arg1239 amino acid residue in CACNA1S. Other variant(s) that disrupt this residue have been determined to be pathogenic (PMID: 7847370, 17418573, 19225109). This suggests that this residue is clinically significant, and that variants that disrupt this residue are likely to be disease-causing. For these reasons, this variant has been classified as Pathogenic.

3billion
Classification: Pathogenic for Hypokalemic periodic paralysis, type 1. Last evaluated: 2025-04-04. Review status: criteria provided, single submitter. Criteria: ACMG Guidelines, 2015. Collection method: clinical testing. Allele origin: germline. Affected: yes.
Comment: The variant is not observed in the gnomAD v4.1.0 dataset. Predicted Consequence/Location:Missense variant. The majority of the known disease-causing variants of this gene are variants expected to result in premature termination of the protein.n silico tool predictions suggest damaging effect of the variant on gene or gene product [REVEL: 0.98 (>=0.6, sensitivity 0.68 and specificity 0.92); 3Cnet: 0.94 (> 0.75, sensitivity 0.96 and precision 0.92)]. The same nucleotide change resulting in the same amino acid change has been previously reported as pathogenic/likely pathogenic with strong evidence (ClinVar ID: VCV000017624 / PMID: 8004673). The variant has been observed in multiple (>3) similarly affected unrelated individuals (PMID: 15716625, 18162704). Different missense changes at the same codon (p.Arg1239Cys, p.Arg1239His) have been reported as pathogenic/likely pathogenic with strong evidence (ClinVar ID: VCV000017623, VCV002166438 / PMID: 7847370 / 3billion dataset). Therefore, this variant is classified as Pathogenic according to the recommendation of ACMG/AMP guideline.

Genome-Nilou Lab
Classification: Pathogenic for Malignant hyperthermia, susceptibility to, 5. Last evaluated: 2023-04-11. Review status: criteria provided, single submitter. Criteria: ACMG Guidelines, 2015. Collection method: clinical testing. Allele origin: germline. Affected: no.

Genome-Nilou Lab
Classification: Pathogenic for Hypokalemic periodic paralysis, type 1. Last evaluated: 2023-04-11. Review status: criteria provided, single submitter. Criteria: ACMG Guidelines, 2015. Collection method: clinical testing. Allele origin: germline. Affected: no.

GeneDx
Classification: Pathogenic. Last evaluated: 2021-07-20. Review status: criteria provided, single submitter. Criteria: GeneDx Variant Classification Process June 2021. Collection method: clinical testing. Allele origin: germline. Affected: yes.
Comment: Recurrent variant associated with hypokalemic periodic paralysis (Matthews et al., 2009); In silico analysis supports that this missense variant has a deleterious effect on protein structure/function; Not observed in large population cohorts (Lek et al., 2016) This variant is associated with the following publications: (PMID: 15221887, 26252573, 15711422, 19779499, 18229654, 15716625, 19118277, 20301512, 11353725, 8004673, 21891927)

Blueprint Genetics
Classification: Pathogenic for CACNA1S-related disorders. Last evaluated: 2017-10-17. Review status: criteria provided, single submitter. Criteria: ACMG Guidelines, 2015. Collection method: clinical testing. Allele origin: germline. Affected: yes. Observed: 1 variant allele.

Athena Diagnostics
Classification: Pathogenic. Last evaluated: 2014-06-02. Review status: criteria provided, single submitter. Criteria: Athena Diagnostics Criteria. Collection method: clinical testing. Allele origin: germline.

OMIM
Classification: Pathogenic for HYPOKALEMIC PERIODIC PARALYSIS, TYPE 1. Last evaluated: 1994-06-17. Review status: no assertion criteria provided. Collection method: literature only. Allele origin: germline. Not counted in ClinVar's aggregate classification.

GeneReviews
No classification provided. Condition: Hypokalemic periodic paralysis, type 1. Review status: no classification provided. Collection method: literature only. Allele origin: germline. Not counted in ClinVar's aggregate classification.

Literature cited by the submitters: PubMed 8004673 (cited by 4 submitters); PubMed 15716625 (cited by 3 submitters); PubMed 18162704 (cited by 3 submitters); PubMed 18229654 (cited by Labcorp Genetics (formerly Invitae), Labcorp and Athena Diagnostics); PubMed 7847370 (cited by Labcorp Genetics (formerly Invitae), Labcorp and 3billion); PubMed 17418573 (cited by Labcorp Genetics (formerly Invitae), Labcorp); PubMed 19225109 (cited by Labcorp Genetics (formerly Invitae), Labcorp); PubMed 9132138 (cited by Athena Diagnostics); PubMed 10523403 (cited by Athena Diagnostics); PubMed 19118277 (cited by Athena Diagnostics); PubMed 3037387 (cited by OMIM).

NM_000069.3(CACNA1S):c.3715C>G (p.Arg1239Gly)

Gene: CACNA1S (calcium voltage-gated channel subunit alpha1 S; minus strand). Cytogenetic location: 1q32.1.
Variant type: single nucleotide variant.
Coding change: c.3715C>G on transcript NM_000069.3 (MANE Select); coding-DNA position 3715, C replaced by G.
Protein change: p.Arg1239Gly; replaces arginine 1239 with glycine.
Molecular consequence: missense variant.
Genome position (GRCh38, 1-based): chr1:201,053,539, G>C on the plus strand (C>G on the coding strand, the complement: CACNA1S is on the minus strand). VCF-style: chr1-201053539-G-C. GRCh37 (hg19) VCF-style: chr1-201022667-G-C.
Other names: short protein forms R1239G.
Identifiers: ClinVar variation 17624 (VCV000017624.18), dbSNP rs28930069, ClinGen allele CA004048.